The following is an entry in ClinVar:

ClinVar aggregate classification (germline): Uncertain significance (0 of 4 stars; one submission).

Conditions:
BRWD3-related disorder. Also called: BRWD3-related condition.

Submission:

PreventionGenetics, part of Exact Sciences
Classification: Uncertain significance for BRWD3-related condition. Last evaluated: 2024-05-14. Review status: no assertion criteria provided. Collection method: clinical testing. Allele origin: germline.
Comment: The BRWD3 c.134G>C variant is predicted to result in the amino acid substitution p.Arg45Pro. To our knowledge, this variant has not been reported in the literature or in a large population database, indicating this variant is rare. At this time, the clinical significance of this variant is uncertain due to the absence of conclusive functional and genetic evidence.

NM_153252.5(BRWD3):c.134G>C (p.Arg45Pro)

Gene: BRWD3 (bromodomain and WD repeat domain containing 3; minus strand). Cytogenetic location: Xq21.1.
Variant type: single nucleotide variant.
Coding change: c.134G>C on transcript NM_153252.5 (MANE Select); coding-DNA position 134, G replaced by C.
Protein change: p.Arg45Pro; replaces arginine 45 with proline.
Molecular consequence: missense variant.
Genome position (GRCh38, 1-based): chrX:80,808,585, C>G on the plus strand (G>C on the coding strand, the complement: BRWD3 is on the minus strand). VCF-style: chrX-80808585-C-G. GRCh37 (hg19) VCF-style: chrX-80064084-C-G.
Other names: short protein forms R45P.
Identifiers: ClinVar variation 3346040 (VCV003346040.1).